The following is an entry in ClinVar:

NM_152384.3(BBS5):c.619-25T>G

Gene: BBS5 (Bardet-Biedl syndrome 5; plus strand). Cytogenetic location: 2q31.1.
Variant type: single nucleotide variant.
Coding change: c.619-25T>G on transcript NM_152384.3 (MANE Select); 25 bases into the intron before coding-DNA position 619, T replaced by G.
Molecular consequence: intron variant.
Genome position (GRCh38, 1-based): chr2:169,497,602, T>G. VCF-style: chr2-169497602-T-G. GRCh37 (hg19) VCF-style: chr2-170354112-T-G.
Identifiers: ClinVar variation 3350959 (VCV003350959.1).

ClinVar aggregate classification (germline): Likely benign (0 of 4 stars; one submission).

Conditions:
BBS5-related disorder. Also called: BBS5-related condition.

Submission:

PreventionGenetics, part of Exact Sciences
Classification: Likely benign for BBS5-related condition. Last evaluated: 2022-06-28. Review status: no assertion criteria provided. Collection method: clinical testing. Allele origin: germline.
Comment: This variant is classified as likely benign based on ACMG/AMP sequence variant interpretation guidelines (Richards et al. 2015 PMID: 25741868, with internal and published modifications).